The following is an entry in ClinVar:

ClinVar aggregate classification (germline): Benign (3 of 4 stars; one submission).

Conditions:
Breast-ovarian cancer, familial, susceptibility to, 1 (BROVCA1). Also called: BRCA1 Hereditary Breast and Ovarian Cancer; OVARIAN CANCER, SUSCEPTIBILITY TO. Identifiers: Orphanet 145, MedGen C2676676, MONDO:0011450, OMIM 604370. Disease mechanism: loss of function.

Allele frequency attached by ClinVar (database versions not stated): gnomAD 0.00052 and 0.00073; TOPMed 0.00083; 1000 Genomes Project 30x 0.00437; 1000 Genomes Project 0.00499.
gnomAD v4.1: 109 of 152,274 alleles (0.072%); highest among the groups gnomAD compares: East Asian, 1.9%; no homozygotes.

Submission:

Evidence-based Network for the Interpretation of Germline Mutant Alleles (ENIGMA)
Classification: Benign for Breast-ovarian cancer, familial 1. Last evaluated: 2015-01-12. Review status: reviewed by expert panel. Criteria: ENIGMA BRCA1/2 Classification Criteria (2015). Collection method: curation. Allele origin: germline.
Comment: Class 1 not pathogenic based on frequency >1% in an outbred sampleset. Frequency 0.02273 (Asian), derived from 1000 genomes (2012-04-30).

NM_007294.4(BRCA1):c.5278-866G>C

Gene: BRCA1 (BRCA1 DNA repair associated; minus strand). Cytogenetic location: 17q21.31.
Variant type: single nucleotide variant.
Coding change: c.5278-866G>C on transcript NM_007294.4 (MANE Select); 866 bases into the intron before coding-DNA position 5278, G replaced by C.
Molecular consequence: intron variant.
Genome position (GRCh38, 1-based): chr17:43,051,983, C>G on the plus strand (G>C on the coding strand, the complement: BRCA1 is on the minus strand). VCF-style: chr17-43051983-C-G. GRCh37 (hg19) VCF-style: chr17-41204000-C-G.
Other names: IVS 20-866G>C; c.1825-866G>C (NM_001408458.1, NM_001408461.1, NM_001408464.1 and 7 more transcripts); c.4387-866G>C (NM_001407967.1); c.4897-866G>C (NM_001407959.1); c.5011-866G>C (NM_001407931.1, NM_001407932.1, NM_001407928.1 and 4 more transcripts); c.5134-866G>C (NM_001407747.1, NM_001407745.1, NM_001407737.1 and 21 more transcripts); c.4894-866G>C (NM_001407962.1, NM_001407960.1); c.1465-866G>C (NM_001408512.1); and 75 more.
Identifiers: ClinVar variation 209262 (VCV000209262.2), dbSNP rs148509734, ClinGen allele CA276234.